The following is an entry in ClinVar:

ClinVar aggregate classification (germline): Uncertain significance (1 of 4 stars; one submission).

Conditions:
Hereditary cancer-predisposing syndrome. Also called: Neoplastic Syndromes, Hereditary; Tumor predisposition; Hereditary Cancer Syndrome; Hereditary neoplastic syndrome. Identifiers: Orphanet 140162, MedGen C0027672, MeSH D009386, MONDO:0015356.

Submission:

Ambry Genetics
Classification: Uncertain significance for Hereditary cancer-predisposing syndrome. Last evaluated: 2024-08-22. Review status: criteria provided, single submitter. Criteria: Ambry Variant Classification Scheme 2023. Collection method: clinical testing. Allele origin: germline.
Comment: The c.3873delG variant, located in coding exon 23 of the PTCH1 gene, results from a deletion of one nucleotide at nucleotide position 3873, causing a translational frameshift with a predicted alternate stop codon (p.S1292Pfs*80). This alteration occurs at the 3' terminus of the PTCH1 gene, is not expected to trigger nonsense-mediated mRNA decay, and only impacts the last 156 AAs of the protein. The exact functional effect of this alteration is unknown. Based on the available evidence, the clinical significance of this variant remains unclear.

NM_000264.5(PTCH1):c.3873del (p.Ser1292fs)

Gene: PTCH1 (patched 1; minus strand). Cytogenetic location: 9q22.32.
Variant type: Deletion.
Coding change: c.3873del on transcript NM_000264.5 (MANE Select); coding-DNA position 3873, one base deleted (G; older notation c.3873delG).
Protein change: p.Ser1292fs; shifts the reading frame from serine 1292.
Molecular consequence: frameshift variant. On other transcripts: non-coding transcript variant (1).
Genome position (GRCh38, 1-based): chr9:95,447,383, C deleted on the plus strand (G on the coding strand, the reverse complement: PTCH1 is on the minus strand); the first of 3 consecutive C bases (chr9:95,447,383-95,447,385); deleting any one gives the same sequence. VCF-style (leftmost placement, unchanged base first): chr9-95447382-AC-A. GRCh37 (hg19) VCF-style: chr9-98209664-AC-A.
Other names: c.3873delG (NM_000264.3); c.3675del, p.Ser1226fs (NM_001083602.3); c.3870del, p.Ser1291fs (NM_001083603.3); c.3420del, p.Ser1141fs (NM_001083604.3, NM_001083605.3, NM_001083606.3 and 1 more transcripts); c.3717del, p.Ser1240fs (NM_001354918.2); short protein forms S1141fs, S1226fs, S1292fs, S1291fs, S1240fs.
Identifiers: ClinVar variation 3427254 (VCV003427254.1).